The following is an entry in ClinVar:

NM_014712.3(SETD1A):c.783C>T (p.Gly261=)

Gene: SETD1A (SET domain containing 1A, histone lysine methyltransferase; plus strand). Cytogenetic location: 16p11.2.
Variant type: single nucleotide variant.
Coding change: c.783C>T on transcript NM_014712.3 (MANE Select); coding-DNA position 783, C replaced by T.
Protein change: p.Gly261=; no amino-acid change (glycine 261 retained).
Molecular consequence: synonymous variant.
Genome position (GRCh38, 1-based): chr16:30,964,237, C>T. VCF-style: chr16-30964237-C-T. GRCh37 (hg19) VCF-style: chr16-30975558-C-T.
Identifiers: ClinVar variation 3054311 (VCV003054311.2), dbSNP rs751439907, ClinGen allele CA8016491.

ClinVar aggregate classification (germline): Likely benign (0 of 4 stars; one submission).

Conditions:
SETD1A-related disorder. Also called: SETD1A-related condition.

Allele frequency attached by ClinVar (database versions not stated): ExAC 0.00001.
gnomAD v4.1: 7 of 1,614,118 alleles (0.00043%); highest among the groups gnomAD compares: Non-Finnish European, 0.00042%; no homozygotes.

Submission:

PreventionGenetics, part of Exact Sciences
Classification: Likely benign for SETD1A-related condition. Last evaluated: 2023-02-02. Review status: no assertion criteria provided. Collection method: clinical testing. Allele origin: germline.
Comment: This variant is classified as likely benign based on ACMG/AMP sequence variant interpretation guidelines (Richards et al. 2015 PMID: 25741868, with internal and published modifications).